The following is an entry in ClinVar:

NM_003072.5(SMARCA4):c.904C>A (p.Leu302Met)

Gene: SMARCA4 (SWI/SNF related BAF chromatin remodeling complex subunit ATPase 4; plus strand). Cytogenetic location: 19p13.2.
Variant type: single nucleotide variant.
Coding change: c.904C>A on transcript NM_003072.5 (MANE Select); coding-DNA position 904, C replaced by A.
Protein change: p.Leu302Met; replaces leucine 302 with methionine.
Molecular consequence: missense variant. On other transcripts: non-coding transcript variant (1).
Genome position (GRCh38, 1-based): chr19:10,987,710, C>A. VCF-style: chr19-10987710-C-A. GRCh37 (hg19) VCF-style: chr19-11098386-C-A.
Other names: c.904C>A, p.Leu302Met (NM_001128844.3, NM_001128845.2, NM_001128846.2 and 6 more transcripts); short protein forms L302M.
Identifiers: ClinVar variation 2915967 (VCV002915967.3), dbSNP rs1599966553, ClinGen allele CA404058432.
Genomic context (GRCh38, chr19:10,987,710, plus strand): 5'-CCTTGCCTTCTCCCAGGACCCATGGCGAATGCTGCTGCCCCCACGAGCACCCCTCAGAAG[C>A]TGATTCCCCCGCAGCCAACGGGCCGCCCTTCCCCCGCGCCCCCTGCCGTCCCACCCGCCG-3'
Protein context (NP_003063.2, residues 292-312): AAAPTSTPQK[Leu302Met]IPPQPTGRPS

ClinVar aggregate classification (germline): Uncertain significance (1 of 4 stars; one submission).

Conditions:
Rhabdoid tumor predisposition syndrome 2 (RTPS2). Identifiers: Orphanet 231108, Orphanet 69077, MedGen C2750074, MONDO:0013224, OMIM 613325.

Submission:

Labcorp Genetics (formerly Invitae), Labcorp
Classification: Uncertain significance for Rhabdoid tumor predisposition syndrome 2. Last evaluated: 2022-11-19. Review status: criteria provided, single submitter. Criteria: Invitae Variant Classification Sherloc (09022015). Collection method: clinical testing. Allele origin: germline.
Comment: In summary, the available evidence is currently insufficient to determine the role of this variant in disease. Therefore, it has been classified as a Variant of Uncertain Significance. Advanced modeling of protein sequence and biophysical properties (such as structural, functional, and spatial information, amino acid conservation, physicochemical variation, residue mobility, and thermodynamic stability) has been performed at Invitae for this missense variant, however the output from this modeling did not meet the statistical confidence thresholds required to predict the impact of this variant on SMARCA4 protein function. This variant has not been reported in the literature in individuals affected with SMARCA4-related conditions. This variant is not present in population databases (gnomAD no frequency). This sequence change replaces leucine, which is neutral and non-polar, with methionine, which is neutral and non-polar, at codon 302 of the SMARCA4 protein (p.Leu302Met).